The following is an entry in ClinVar:

NM_000545.8(HNF1A):c.865C>T (p.Pro289Ser)

Gene: HNF1A (HNF1 homeobox A; plus strand). Cytogenetic location: 12q24.31.
Variant type: single nucleotide variant.
Coding change: c.865C>T on transcript NM_000545.8 (MANE Select); coding-DNA position 865, C replaced by T.
Protein change: p.Pro289Ser; replaces proline 289 with serine.
Molecular consequence: missense variant.
Genome position (GRCh38, 1-based): chr12:120,994,315, C>T. VCF-style: chr12-120994315-C-T. GRCh37 (hg19) VCF-style: chr12-121432118-C-T.
Other names: NM_001306179.2:c.865C>T; c.865C>T, p.Pro289Ser (NM_001306179.2); short protein forms P289S.
Identifiers: ClinVar variation 1315612 (VCV001315612.8), dbSNP rs765829022, ClinGen allele CA386966635.

ClinVar aggregate classification (germline): Uncertain significance. Review status: reviewed by expert panel (3 of 4 stars). 3 submissions from 3 submitters: Uncertain significance (1). 2 of the submissions do not count toward it. Last evaluated 2025-10-03.

Conditions:
Maturity-onset diabetes of the young type 3. Also called: MODY, type III; MODY type 3. Identifiers: Orphanet 552, MedGen C1838100, MeSH C563933, MONDO:0010894, OMIM 600496. Disease mechanism: loss of function.
Type 2 diabetes mellitus. Also called: Type II diabetes mellitus. Identifiers: MedGen C0011860, MeSH D003924, MONDO:0005148, OMIM 125853, HP:0005978.
Diabetes mellitus type 1 (T1D). Also called: Diabetes Mellitus, Juvenile-Onset; Type I diabetes mellitus. Identifiers: MedGen C0011854, MONDO:0005147, OMIM 222100, HP:0100651.
Hepatic adenomas, familial. Also called: HEPATIC ADENOMA, SOMATIC; LIVER CELL ADENOMAS, FAMILIAL. Identifiers: MedGen C1840646, MONDO:0007718, OMIM 142330.
Nonpapillary renal cell carcinoma. Identifiers: Orphanet 422526, MedGen CN074294, MONDO:0007763, OMIM 144700.
Type 1 diabetes mellitus 20 (T1D20). Also called: Diabetes mellitus, insulin-dependent, 20. Identifiers: MedGen C2675866, MONDO:0012919, OMIM 612520.
Monogenic diabetes. Identifiers: Orphanet 183625, MedGen C3888631, MONDO:0015967.

gnomAD v4.1: 4 of 1,595,544 alleles (0.00025%); highest among the groups gnomAD compares: Admixed American, 0.0017%; no homozygotes.

Submissions (3):

ClinGen Monogenic Diabetes Variant Curation Expert Panel
Classification: Uncertain significance for Monogenic diabetes. Last evaluated: 2025-10-03. Review status: reviewed by expert panel. Criteria: ClinGen Diabetes ACMG Specifications HNF1A V3.0.0. Collection method: curation. Allele origin: germline. Inheritance: Autosomal dominant inheritance.
Comment: The c.865C>T variant in the e.g. HNF1 homeobox A gene, HNF1A, causes an amino acid change of proline to serine at codon 289 (p.(Pro289Ser)) of NM_000545.8. This variant has a gnomAD v4.1.0 Grpmax filtering allele frequency of 6.9e-7, which is below the ClinGen MDEP threshold of 0.000003 (PM2_Supporting). This variant has a REVEL score of 0.604, which is between the ClinGen MDEP thresholds for BP4 and PP3, predicting neither a damaging nor benign impact on HNF1A function. This variant was identified in two unrelated individuals with non-autoimmune and non-absolute/near-absolute insulin-deficient diabetes; however, PS4_Moderate cannot be applied because this number is below the ClinGen MDEP threshold (internal lab contributors). This variant segregated with diabetes with one informative meioses in a single family; however, this does not meet the thresholds for PP1 set by the ClinGen MDEP (PMID: 27236918; internal lab contributors). Two other missense variants at the same residue, c.866C>A (p.Pro289His) and c.866C>G (p.Pro289Arg), have been classified as VUS by the ClinGen MDEP; therefore PM5 will not be applied. In summary, c.865C>T meets the criteria to be classified as a variant of uncertain significance for monogenic diabetes. ACMG/AMP criteria applied, as specified by the ClinGen MDEP (specification version 3.0.0, approved 6/30/2025): PM2_Supporting.

Fulgent Genetics
Classification: Uncertain significance for Type 2 diabetes mellitus; Hepatic adenomas, familial; Nonpapillary renal cell carcinoma; Diabetes mellitus type 1; Maturity-onset diabetes of the young type 3; Type 1 diabetes mellitus 20. Last evaluated: 2024-05-31. Review status: criteria provided, single submitter. Criteria: ACMG Guidelines, 2015. Collection method: clinical testing. Allele origin: germline. Not counted in ClinVar's aggregate classification.

GeneDx
Classification: Uncertain significance. Last evaluated: 2020-02-07. Review status: criteria provided, single submitter. Criteria: GeneDx Variant Classification Process June 2021. Collection method: clinical testing. Allele origin: germline. Affected: yes. Not counted in ClinVar's aggregate classification.
Comment: Has been reported in one patient with MODY; however further evidence such as segregation or functional studies, were not specified in this report (Bellanne-Chantelot etla., 2008); Not observed in large population cohorts (Lek et al., 2016); In silico analysis, which includes protein predictors and evolutionary conservation, supports that this variant does not alter protein structure/function; This variant is associated with the following publications: (PMID: 18003757)